The following is an entry in ClinVar:

NM_021267.5(CERS1):c.17C>G (p.Pro6Arg)

Genes: CERS1 (ceramide synthase 1; minus strand), GDF1 (growth differentiation factor 1; minus strand). Cytogenetic location: 19p13.11.
Variant type: single nucleotide variant.
Coding change: c.17C>G on transcript NM_021267.5 (MANE Select); coding-DNA position 17, C replaced by G.
Protein change: p.Pro6Arg; replaces proline 6 with arginine.
Molecular consequence: missense variant. On other transcripts: 5 prime UTR variant (4), intron variant (3).
Genome position (GRCh38, 1-based): chr19:18,896,056, G>C on the plus strand (C>G on the coding strand, the complement: CERS1 is on the minus strand). VCF-style: chr19-18896056-G-C. GRCh37 (hg19) VCF-style: chr19-19006865-G-C.
Other names: c.17C>G, p.Pro6Arg (NM_001387439.1, NM_001387440.1, NM_001387441.1 and 1 more transcripts); c.-512C>G (NM_001387444.1); c.-459C>G (NM_001387445.1); c.-886C>G (NM_001387438.1); c.-1306C>G (NM_001492.6); c.-46+670C>G (NM_001387443.1); c.-46+505C>G (NM_001387442.1, NM_001290265.2); short protein forms P6R.
Identifiers: ClinVar variation 1902257 (VCV001902257.5), dbSNP rs1232263427, ClinGen allele CA404868925.

ClinVar aggregate classification (germline): Uncertain significance (1 of 4 stars; one submission).

Conditions:
Progressive myoclonic epilepsy type 8. Identifiers: Orphanet 424027, MedGen C5190825, MONDO:0014545, OMIM 616230.

Allele frequency attached by ClinVar (database versions not stated): gnomAD exomes below 0.00001; gnomAD 0.00003.
gnomAD v4.1: 7 of 983,492 alleles (0.00071%); highest among the groups gnomAD compares: Non-Finnish European, 0.00084%; no homozygotes.

Submission:

Labcorp Genetics (formerly Invitae), Labcorp
Classification: Uncertain significance for Progressive myoclonic epilepsy type 8. Last evaluated: 2022-03-17. Review status: criteria provided, single submitter. Criteria: Invitae Variant Classification Sherloc (09022015). Collection method: clinical testing. Allele origin: germline.
Comment: Algorithms developed to predict the effect of missense changes on protein structure and function are either unavailable or do not agree on the potential impact of this missense change (SIFT: "Tolerated"; PolyPhen-2: "Not Available"; Align-GVGD: "Class C0"). In summary, the available evidence is currently insufficient to determine the role of this variant in disease. Therefore, it has been classified as a Variant of Uncertain Significance. This variant has not been reported in the literature in individuals affected with CERS1-related conditions. This sequence change replaces proline, which is neutral and non-polar, with arginine, which is basic and polar, at codon 6 of the CERS1 protein (p.Pro6Arg). The frequency data for this variant in the population databases is considered unreliable, as metrics indicate insufficient coverage at this position in the gnomAD database.